The following is an entry in ClinVar:

ClinVar aggregate classification (germline): Pathogenic/Likely pathogenic. Review status: criteria provided, multiple submitters, no conflicts (2 of 4 stars). 2 submissions from 2 submitters: Pathogenic (1); Likely pathogenic (1). Last evaluated 2024-01-20.

Conditions:
Multiple acyl-CoA dehydrogenase deficiency (MADD). Also called: Glutaric aciduria, type 2; Glutaric acidemia type II; GA 2; ETHYLMALONIC-ADIPICACIDURIA; GA II; Glutaric Acidemia type 2. Identifiers: Orphanet 26791, MedGen C0268596, MONDO:0009282, OMIM 231680.

Submissions (2):

Baylor Genetics
Classification: Likely pathogenic for Multiple acyl-CoA dehydrogenase deficiency. Last evaluated: 2024-01-20. Review status: criteria provided, single submitter. Criteria: ACMG Guidelines, 2015. Collection method: clinical testing. Allele origin: unknown.

Labcorp Genetics (formerly Invitae), Labcorp
Classification: Pathogenic for Multiple acyl-CoA dehydrogenase deficiency. Last evaluated: 2024-01-11. Review status: criteria provided, single submitter. Criteria: Invitae Variant Classification Sherloc (09022015). Collection method: clinical testing. Allele origin: germline.
Comment: This sequence change creates a premature translational stop signal (p.Lys59Asnfs*12) in the ETFA gene. It is expected to result in an absent or disrupted protein product. Loss-of-function variants in ETFA are known to be pathogenic (PMID: 16510302, 23785301). This variant is present in population databases (rs752119263, gnomAD 0.0009%). This variant has not been reported in the literature in individuals affected with ETFA-related conditions. For these reasons, this variant has been classified as Pathogenic.

Literature cited by the submitters: PubMed 16510302 (cited by Labcorp Genetics (formerly Invitae), Labcorp); PubMed 23785301 (cited by Labcorp Genetics (formerly Invitae), Labcorp).

NM_000126.4(ETFA):c.177del (p.Lys59fs)

Gene: ETFA (electron transfer flavoprotein subunit alpha; minus strand). Cytogenetic location: 15q24.2.
Variant type: Deletion.
Coding change: c.177del on transcript NM_000126.4 (MANE Select); coding-DNA position 177, one base deleted (A; older notation c.177delA).
Protein change: p.Lys59fs; shifts the reading frame from lysine 59.
Molecular consequence: frameshift variant. On other transcripts: intron variant (1).
Genome position (GRCh38, 1-based): chr15:76,295,600, T deleted on the plus strand (A on the coding strand, the reverse complement: ETFA is on the minus strand); the first of 3 consecutive T bases (chr15:76,295,600-76,295,602); deleting any one gives the same sequence. VCF-style (leftmost placement, unchanged base first): chr15-76295599-AT-A. GRCh37 (hg19) VCF-style: chr15-76587940-AT-A.
Other names: c.40-2900del (NM_001127716.2); short protein forms K59fs.
Identifiers: ClinVar variation 2844458 (VCV002844458.4), dbSNP rs752119263, ClinGen allele CA7673852.